The following is an entry in ClinVar:

ClinVar aggregate classification (germline): Uncertain significance (1 of 4 stars; one submission).

Allele frequency attached by ClinVar (database versions not stated): gnomAD 0.00001.

Submission:

Ambry Genetics
Classification: Uncertain significance. Last evaluated: 2025-02-01. Review status: criteria provided, single submitter. Criteria: Ambry Variant Classification Scheme 2023. Collection method: clinical testing. Allele origin: germline.
Comment: The p.A260V variant (also known as c.779C>T), located in coding exon 8 of the FAM175A gene, results from a C to T substitution at nucleotide position 779. The alanine at codon 260 is replaced by valine, an amino acid with similar properties. This amino acid position is conserved. In addition, this alteration is predicted to be tolerated by in silico analysis. Since supporting evidence is limited at this time, the clinical significance of this alteration remains unclear.

NM_139076.3(ABRAXAS1):c.779C>T (p.Ala260Val)

Gene: ABRAXAS1 (abraxas 1, BRCA1 A complex subunit; minus strand). Cytogenetic location: 4q21.23.
Variant type: single nucleotide variant.
Coding change: c.779C>T on transcript NM_139076.3 (MANE Select); coding-DNA position 779, C replaced by T.
Protein change: p.Ala260Val; replaces alanine 260 with valine.
Molecular consequence: missense variant.
Genome position (GRCh38, 1-based): chr4:83,463,511, G>A on the plus strand (C>T on the coding strand, the complement: ABRAXAS1 is on the minus strand). VCF-style: chr4-83463511-G-A. GRCh37 (hg19) VCF-style: chr4-84384664-G-A.
Other names: c.452C>T, p.Ala151Val (NM_001345962.2); short protein forms A151V, A260V.
Identifiers: ClinVar variation 1799613 (VCV001799613.4), dbSNP rs1391173913, ClinGen allele CA357256797.
Genomic context (GRCh38, chr4:83,463,511, plus strand): 5'-AAAAATTTTTAGCACAGAAAGTAGAGATGTGTTGTTTACTTACTTGCTGCCTGAATCTGT[G>A]CTCCTCTCCTTTTCTCAATTTCTCGTTTTAATCTGTTTACATCCTTTACTAGTTTATCTA-3'
Protein context (NP_620775.2, residues 250-270): LKREIEKRRG[Ala260Val]QIQAAREKNI